The following continues an entry in ClinVar:

NM_024675.4(PALB2):c.3456dup (p.Pro1153fs)

Gene: PALB2. ClinVar aggregate classification (germline): Pathogenic. Pathogenic (16).

Submissions 11 to 22 of 22:

PreventionGenetics, part of Exact Sciences
Classification: Pathogenic for PALB2-related condition. Last evaluated: 2023-06-01. Review status: criteria provided, single submitter. Criteria: ACMG Guidelines, 2015. Collection method: clinical testing. Allele origin: germline.
Comment: The PALB2 c.3456dupA variant is predicted to result in a frameshift and premature protein termination (p.Pro1153Thrfs*4). This variant has been reported in individuals with breast cancer and individuals with pancreatic cancer (Table S2, Antoniou et al. 2014. PubMed ID: 25099575; Table 1, Schoolmeester et al. 2017. PubMed ID: 28709830; Table 2, Dudley et al. 2018. PubMed ID: 29360161; eTable 3, Hu et al. 2018. PubMed ID: 29922827; Supplement, Tung et al. 2014. PubMed ID: 25186627; Table S1, Couch et al. 2014. PubMed ID: 25452441; Table A4, Abe et al. 2019. PubMed ID: 30883245). This variant has not been reported in a large population database, indicating this variant is rare. It is interpreted as pathogenic in ClinVar. Frameshift variants in PALB2 are expected to be pathogenic. This variant is interpreted as pathogenic.

Myriad Genetics, Inc.
Classification: Pathogenic for Familial cancer of breast. Last evaluated: 2023-03-31. Review status: criteria provided, single submitter. Criteria: Myriad Autosomal Dominant, Autosomal Recessive and X-Linked Classification Criteria (2023). Collection method: clinical testing. Allele origin: unknown.
Comment: This variant is considered pathogenic. This variant creates a frameshift predicted to result in premature protein truncation.

Color Diagnostics, LLC DBA Color Health
Classification: Pathogenic for Hereditary cancer-predisposing syndrome. Last evaluated: 2022-06-21. Review status: criteria provided, single submitter. Criteria: ACMG Guidelines, 2015. Collection method: clinical testing. Allele origin: germline.
Comment: This variant inserts 1 nucleotide in exon 13 of the PALB2 gene, creating a frameshift and premature translation stop signal in the last coding exon. The mutant protein is expected to escape nonsense-mediated decay and be expressed as a truncated protein with disrupted WD40 domain that is important for PALB2 function (PMID: 31757951, 33139182). This variant has been reported in individuals affected with breast cancer (PMID: 25099575, 25186627, 25452441, 26681312, 28709830). This variant has not been identified in the general population by the Genome Aggregation Database (gnomAD). Loss of PALB2 function is a known mechanism of disease. Based on the available evidence, this variant is classified as Pathogenic.

CeGaT Center for Human Genetics Tuebingen
Classification: Pathogenic. Last evaluated: 2022-04-01. Review status: criteria provided, single submitter. Criteria: CeGaT Center For Human Genetics Tuebingen Variant Classification Criteria Version 2. Collection method: clinical testing. Allele origin: germline. Affected: yes. Observed: 1 variant allele.
Comment: PALB2: PVS1, PM2

Sema4
Classification: Pathogenic for Hereditary cancer-predisposing syndrome. Last evaluated: 2022-03-12. Review status: criteria provided, single submitter. Criteria: Sema4 Curation Guidelines. Collection method: curation. Allele origin: germline.
Comment: The PALB2 c.3456dupA (p.P1153TfsX4) variant has been reported in heterozygosity in at least 5 individuals with breast and 2 individuals with pancreatic cancer (PMID: 25099575, 25186627, 25452441, 26681312, 28709830, 29360161, 30883245). As this variant is not predicted to cause nonsense-mediated decay, the protein product is expected to be truncated. Another variant (p.Y1183X) located downstream have been shown to lead to a non functional protein (PMID 17200671), thus this variant is expected to lead to a loss of function. Loss of function variants in PALB2 are known to be pathogenic (PMID: 17200668). This variant is not reported in the population database Genome Aggregation Database (PMID: 32461654). The variant has been reported in ClinVar (Variation ID: 128142). Based on the current evidence available, this variant is interpreted as pathogenic.

Department of Pathology and Laboratory Medicine, Sinai Health System
Classification: Pathogenic for PALB2-related cancer predisposition. Last evaluated: 2021-02-16. Review status: criteria provided, single submitter. Criteria: ACMG Guidelines, 2015. Collection method: clinical testing. Allele origin: germline. Affected: no.

BRCAlab, Lund University
Classification: Pathogenic for Hereditary breast ovarian cancer syndrome. Last evaluated: 2022-08-26. Review status: no assertion criteria provided. Collection method: clinical testing. Allele origin: germline. Affected: yes. Not counted in ClinVar's aggregate classification.

Leiden Open Variation Database
Classification: Pathogenic for Familial cancer of breast. Last evaluated: 2019-05-13. Review status: no assertion criteria provided. Collection method: curation. Allele origin: germline. Affected: yes. Not counted in ClinVar's aggregate classification.
Comment: Curators: Marc Tischkowitz, Arleen D. Auerbach. Submitter to LOVD: Marc Tischkowitz.

Counsyl
Classification: Pathogenic for Familial cancer of breast. Last evaluated: 2017-01-03. Review status: no assertion criteria provided. Collection method: clinical testing. Allele origin: unknown. Not counted in ClinVar's aggregate classification.

Clinical Genetics Laboratory, Department of Pathology, Netherlands Cancer Institute
Classification: Pathogenic. Review status: no assertion criteria provided. Collection method: clinical testing. Allele origin: germline. Affected: yes. Study: VKGL Data-share Consensus. Not counted in ClinVar's aggregate classification.

Diagnostic Laboratory, Department of Genetics, University Medical Center Groningen
Classification: Pathogenic. Review status: no assertion criteria provided. Collection method: clinical testing. Allele origin: germline. Affected: yes. Study: VKGL Data-share Consensus. Not counted in ClinVar's aggregate classification.

SNPedia
Classification: Pathogenic. Review status: no assertion criteria provided. Collection method: not provided. Allele origin: germline. Not counted in ClinVar's aggregate classification.
ClinVar note: Converted during submission from pathogenic to Pathogenic.

Literature cited by the submitters: PubMed 25099575 (cited by 8 submitters); PubMed 25452441 (cited by 7 submitters); PubMed 26681312 (cited by 6 submitters); PubMed 17200671 (cited by Labcorp Genetics (formerly Invitae), Labcorp and Sema4); PubMed 17200668 (cited by Dasa and Sema4); PubMed 31841383 (cited by Dasa); PubMed 25186627 (cited by 6 submitters); PubMed 28709830 (cited by 4 submitters); PubMed 31757951 (cited by Color Diagnostics, LLC DBA Color Health); PubMed 33139182 (cited by Color Diagnostics, LLC DBA Color Health); PubMed 29360161 (cited by Sema4); PubMed 30883245 (cited by Sema4); PubMed 24998779 (cited by Counsyl); PubMed 19584259 (cited by Counsyl); PubMed 19609323 (cited by Counsyl).